The following is an entry in ClinVar:

NM_000428.3(LTBP2):c.3638dup (p.Thr1214fs)

Gene: LTBP2 (latent transforming growth factor beta binding protein 2; minus strand). Cytogenetic location: 14q24.3.
Variant type: Duplication.
Coding change: c.3638dup on transcript NM_000428.3 (MANE Select); coding-DNA position 3638, one base duplicated (G; older notation c.3638dupG).
Protein change: p.Thr1214fs; shifts the reading frame from threonine 1214.
Molecular consequence: frameshift variant.
Genome position (GRCh38, 1-based): chr14:74,508,618, C duplicated on the plus strand (G on the coding strand, the reverse complement: LTBP2 is on the minus strand); the first of 6 consecutive C bases (chr14:74,508,618-74,508,623); duplicating any one gives the same sequence. VCF-style (leftmost placement, unchanged base first): chr14-74508617-G-GC. GRCh37 (hg19) VCF-style: chr14-74975320-G-GC.
Other names: short protein forms T1214fs.
Identifiers: ClinVar variation 2110814 (VCV002110814.5), dbSNP rs924495842, ClinGen allele CA964726243.

ClinVar aggregate classification (germline): Pathogenic/Likely pathogenic. Review status: criteria provided, multiple submitters, no conflicts (2 of 4 stars). 2 submissions from 2 submitters: Pathogenic (1); Likely pathogenic (1). Last evaluated 2024-02-11.

Conditions:
Glaucoma 3, primary infantile, B. Also called: GLC3 type B; Primary congenital glaucoma type 3B; Glaucoma primary congenita type 3B; GLAUCOMA, PRIMARY CONGENITAL, TYPE B; GLC3B. Identifiers: Orphanet 98976, MedGen C1832977, MONDO:0010968, OMIM 600975.
Microspherophakia and/or megalocornea, with ectopia lentis and with or without secondary glaucoma (MSPKA). Identifiers: Orphanet 238763, MedGen C3538951, MONDO:0009633, OMIM 251750.
Glaucoma 3, primary congenital, D. Identifiers: Orphanet 98976, MedGen C2751316, MONDO:0013122, OMIM 613086.
Weill-Marchesani syndrome 3 (WMS3). Also called: LTBP2-Related Weill-Marchesani Syndrome; Weill-Marchesani syndrome 3, recessive. Identifiers: Orphanet 3449, MedGen C3553785, MONDO:0013899, OMIM 614819.

Submissions (2):

Labcorp Genetics (formerly Invitae), Labcorp
Classification: Pathogenic. Last evaluated: 2024-02-11. Review status: criteria provided, single submitter. Criteria: Invitae Variant Classification Sherloc (09022015). Collection method: clinical testing. Allele origin: germline.
Comment: This sequence change creates a premature translational stop signal (p.Thr1214Hisfs*32) in the LTBP2 gene. It is expected to result in an absent or disrupted protein product. Loss-of-function variants in LTBP2 are known to be pathogenic (PMID: 19361779, 19656777, 22025892). This variant is not present in population databases (gnomAD no frequency). This variant has not been reported in the literature in individuals affected with LTBP2-related conditions. ClinVar contains an entry for this variant (Variation ID: 2110814). For these reasons, this variant has been classified as Pathogenic.

Department of Pathology and Laboratory Medicine, Sinai Health System
Classification: Likely pathogenic for Microspherophakia and/or megalocornea, with ectopia lentis and with or without secondary glaucoma; Weill-Marchesani syndrome 3; Glaucoma 3, primary infantile, B; Glaucoma 3, primary congenital, D. Last evaluated: 2023-09-29. Review status: criteria provided, single submitter. Criteria: ACMG Guidelines, 2015. Collection method: research. Allele origin: germline.

Literature cited by the submitters: PubMed 19361779 (cited by Labcorp Genetics (formerly Invitae), Labcorp); PubMed 19656777 (cited by Labcorp Genetics (formerly Invitae), Labcorp); PubMed 22025892 (cited by Labcorp Genetics (formerly Invitae), Labcorp).